The following is an entry in ClinVar:

NM_000152.5(GAA):c.2069C>T (p.Pro690Leu)

Gene: GAA (alpha glucosidase; plus strand). Cytogenetic location: 17q25.3.
Variant type: single nucleotide variant.
Coding change: c.2069C>T on transcript NM_000152.5 (MANE Select); coding-DNA position 2069, C replaced by T.
Protein change: p.Pro690Leu; replaces proline 690 with leucine.
Molecular consequence: missense variant.
Genome position (GRCh38, 1-based): chr17:80,113,246, C>T. VCF-style: chr17-80113246-C-T. GRCh37 (hg19) VCF-style: chr17-78087045-C-T.
Other names: c.2069C>T, p.Pro690Leu (NM_001079803.3, NM_001079804.3); c.2069C>T (LRG_673t1); short protein forms P690L.
Identifiers: ClinVar variation 424308 (VCV000424308.14), dbSNP rs532624326, ClinGen allele CA8815606.

ClinVar aggregate classification (germline): Uncertain significance. Review status: criteria provided, multiple submitters, no conflicts (2 of 4 stars). 8 submissions from 8 submitters: Uncertain significance (7). 1 of the submissions does not count toward it. Last evaluated 2026-09-29.

Conditions:
Glycogen storage disease, type II (IOPD). Also called: Glucosidase acid-1,4-alpha deficiency; Pompe Disease; CARDIOMEGALIA GLYCOGENICA DIFFUSA; POMPE DISEASE, INFANTILE-ONSET; GLYCOGEN STORAGE DISEASE II, INFANTILE-ONSET; ACID ALPHA-GLUCOSIDASE DEFICIENCY, INFANTILE-ONSET. Identifiers: Orphanet 365, MedGen C0017921, MONDO:0009290, OMIM 232300.
Cardiovascular phenotype. Identifiers: MedGen CN230736.

Allele frequency attached by ClinVar (database versions not stated): gnomAD 0.00003; gnomAD exomes 0.00002; ExAC 0.00003; 1000 Genomes Project 0.00020; TOPMed 0.00005; 1000 Genomes Project 30x 0.00016.

Submissions (8):

GeneDx
Classification: Uncertain significance. Last evaluated: 2026-09-29. Review status: criteria provided, single submitter. Criteria: GeneDx Variant Classification Process June 2021. Collection method: clinical testing. Allele origin: germline.
Comment: Functional studies suggest this variant is associated with reduced enzyme activity (PMID: 31228295); In silico analysis suggests that this missense variant does not alter protein structure/function; Not observed at significant frequency in large population cohorts (gnomAD); This variant is associated with the following publications: (PMID: 19343043, 22253258, 31228295, 29095812)

Genomenon, Inc
Classification: Uncertain significance for Glycogen storage disease, type II. Last evaluated: 2026-07-01. Review status: criteria provided, single submitter. Criteria: Genomenon Sequence Variant Interpretation Standards - Updated. Collection method: curation. Allele origin: germline. Affected: no.
Comment: GAA p.Pro690Leu (c.2069C>T) is a missense variant that changes the amino acid at codon 690 from Proline to Leucine. This variant has been reported in the published literature (PMID:28196920;31228295;29095812). It is absent or not present at a significant frequency in gnomAD. In silico models predict that this variant is not damaging. In conclusion, we classify GAA p.Pro690Leu (c.2069C>T) as a variant of uncertain significance.

Labcorp Genetics (formerly Invitae), Labcorp
Classification: Uncertain significance for Glycogen storage disease, type II. Last evaluated: 2025-01-06. Review status: criteria provided, single submitter. Criteria: Invitae Variant Classification Sherloc (09022015). Collection method: clinical testing. Allele origin: germline.
Comment: This sequence change replaces proline, which is neutral and non-polar, with leucine, which is neutral and non-polar, at codon 690 of the GAA protein (p.Pro690Leu). The frequency data for this variant in the population databases is considered unreliable, as metrics indicate poor data quality at this position in the gnomAD database. This variant has not been reported in the literature in individuals affected with GAA-related conditions. ClinVar contains an entry for this variant (Variation ID: 424308). Invitae Evidence Modeling of protein sequence and biophysical properties (such as structural, functional, and spatial information, amino acid conservation, physicochemical variation, residue mobility, and thermodynamic stability) indicates that this missense variant is not expected to disrupt GAA protein function with a negative predictive value of 95%. In summary, the available evidence is currently insufficient to determine the role of this variant in disease. Therefore, it has been classified as a Variant of Uncertain Significance.

Ambry Genetics
Classification: Uncertain significance for Cardiovascular phenotype. Last evaluated: 2024-07-03. Review status: criteria provided, single submitter. Criteria: Ambry Variant Classification Scheme 2023. Collection method: clinical testing. Allele origin: germline.
Comment: The p.P690L variant (also known as c.2069C>T), located in coding exon 14 of the GAA gene, results from a C to T substitution at nucleotide position 2069. The proline at codon 690 is replaced by leucine, an amino acid with similar properties. This variant has been identified in conjunction with other GAA variant(s) in individual(s) with reduced enzyme activity (Lin N et al. Clin Chem, 2017 Apr;63:842-851; Tortorelli S et al. Genet Med, 2018 Aug;20:840-846). This amino acid position is poorly conserved in available vertebrate species. In addition, this alteration is predicted to be tolerated by in silico analysis. Based on the available evidence, the clinical significance of this variant remains unclear.

Revvity Omics, Revvity
Classification: Uncertain significance. Last evaluated: 2024-05-13. Review status: criteria provided, single submitter. Criteria: ACMG Guidelines, 2015. Collection method: clinical testing. Allele origin: germline.

Genome-Nilou Lab
Classification: Uncertain significance for Glycogen storage disease, type II. Last evaluated: 2021-09-05. Review status: criteria provided, single submitter. Criteria: ACMG Guidelines, 2015. Collection method: clinical testing. Allele origin: germline. Affected: no.

Breakthrough Genomics
Classification: Uncertain significance. Review status: criteria provided, single submitter. Criteria: ACMG Guidelines, 2015. Collection method: not provided. Allele origin: germline. Inheritance: Autosomal recessive inheritance. Affected: yes.

Natera, Inc.
Classification: Uncertain significance for Glycogen storage disease type II. Last evaluated: 2020-09-16. Review status: no assertion criteria provided. Collection method: clinical testing. Allele origin: germline. Not counted in ClinVar's aggregate classification.

Literature cited by the submitters: PubMed 28196920 (cited by Genomenon, Inc and Ambry Genetics); PubMed 31228295 (cited by Genomenon, Inc and Ambry Genetics); PubMed 29095812 (cited by Genomenon, Inc and Ambry Genetics).